The following is an entry in ClinVar:

NM_022124.6(CDH23):c.556A>G (p.Ile186Val)

Gene: CDH23 (cadherin related 23; plus strand). Cytogenetic location: 10q22.1.
Variant type: single nucleotide variant.
Coding change: c.556A>G on transcript NM_022124.6 (MANE Select); coding-DNA position 556, A replaced by G.
Protein change: p.Ile186Val; replaces isoleucine 186 with valine.
Molecular consequence: missense variant.
Genome position (GRCh38, 1-based): chr10:71,566,868, A>G. VCF-style: chr10-71566868-A-G. GRCh37 (hg19) VCF-style: chr10-73326625-A-G.
Other names: c.556A>G, p.Ile186Val (NM_001171930.2, NM_001171931.2, NM_001171932.2 and 1 more transcripts); short protein forms I186V.
Identifiers: ClinVar variation 954917 (VCV000954917.7), dbSNP rs1857435185, ClinGen allele CA377112116.

ClinVar aggregate classification (germline): Uncertain significance (1 of 4 stars; one submission).

Allele frequency attached by ClinVar (database versions not stated): gnomAD exomes below 0.00001.
gnomAD v4.1: 2 of 1,613,974 alleles (0.00012%); highest among the groups gnomAD compares: Non-Finnish European, 0.00017%; no homozygotes.

Submission:

Labcorp Genetics (formerly Invitae), Labcorp
Classification: Uncertain significance. Last evaluated: 2022-09-19. Review status: criteria provided, single submitter. Criteria: Invitae Variant Classification Sherloc (09022015). Collection method: clinical testing. Allele origin: germline.
Comment: This sequence change replaces isoleucine, which is neutral and non-polar, with valine, which is neutral and non-polar, at codon 186 of the CDH23 protein (p.Ile186Val). This variant is not present in population databases (gnomAD no frequency). This variant has not been reported in the literature in individuals affected with CDH23-related conditions. ClinVar contains an entry for this variant (Variation ID: 954917). Advanced modeling of protein sequence and biophysical properties (such as structural, functional, and spatial information, amino acid conservation, physicochemical variation, residue mobility, and thermodynamic stability) performed at Invitae indicates that this missense variant is not expected to disrupt CDH23 protein function. In summary, the available evidence is currently insufficient to determine the role of this variant in disease. Therefore, it has been classified as a Variant of Uncertain Significance.